The following is an entry in ClinVar:

ClinVar aggregate classification (germline): Uncertain significance. Review status: criteria provided, multiple submitters, no conflicts (2 of 4 stars). 3 submissions from 3 submitters: Uncertain significance (3). Last evaluated 2026-02-01.

Conditions:
Hereditary cancer-predisposing syndrome. Also called: Neoplastic Syndromes, Hereditary; Hereditary neoplastic syndrome; Tumor predisposition; Hereditary Cancer Syndrome. Identifiers: Orphanet 140162, MedGen C0027672, MeSH D009386, MONDO:0015356.
Hereditary pheochromocytoma and paraganglioma. Also called: Hereditary Paraganglioma-Pheochromocytoma Syndromes; Hereditary paragangliomas and pheochromocytomas; Hereditary pheochromocytoma-paraganglioma. Identifiers: Orphanet 29072, MedGen C4274332, MONDO:0017366.
Pheochromocytoma. Also called: MAX-Related Hereditary Paraganglioma-Pheochromocytoma Syndrome. Identifiers: Orphanet 29072, MedGen C0031511, MONDO:0008233, OMIM 171300, HP:0002666.

Allele frequency attached by ClinVar (database versions not stated): gnomAD exomes 0.00001 and 0.00002; ExAC 0.00002; TOPMed 0.00002.
gnomAD v4.1: 10 of 1,614,098 alleles (0.00062%); highest among the groups gnomAD compares: South Asian, 0.0011%; no homozygotes.

Submissions (3):

Labcorp Genetics (formerly Invitae), Labcorp
Classification: Uncertain significance for Hereditary pheochromocytoma and paraganglioma. Last evaluated: 2026-02-01. Review status: criteria provided, single submitter. Criteria: Invitae Variant Classification Sherloc (09022015). Collection method: clinical testing. Allele origin: germline.
Comment: This sequence change replaces aspartic acid, which is acidic and polar, with asparagine, which is neutral and polar, at codon 135 of the MAX protein (p.Asp135Asn). This variant is present in population databases (rs201312694, gnomAD 0.003%). This variant has not been reported in the literature in individuals affected with MAX-related conditions. ClinVar contains an entry for this variant (Variation ID: 485704). Invitae Evidence Modeling incorporating data from in vitro experimental studies (internal data) indicates that this missense variant is not expected to disrupt MAX function with a negative predictive value of 95%. In summary, the available evidence is currently insufficient to determine the role of this variant in disease. Therefore, it has been classified as a Variant of Uncertain Significance.

Ambry Genetics
Classification: Uncertain significance for Hereditary cancer-predisposing syndrome. Last evaluated: 2024-08-16. Review status: criteria provided, single submitter. Criteria: Ambry Variant Classification Scheme 2023. Collection method: clinical testing. Allele origin: germline.
Comment: The p.D135N variant (also known as c.403G>A), located in coding exon 5 of the MAX gene, results from a G to A substitution at nucleotide position 403. The aspartic acid at codon 135 is replaced by asparagine, an amino acid with highly similar properties. This amino acid position is well conserved in available vertebrate species. In addition, the in silico prediction for this alteration is inconclusive. Since supporting evidence is limited at this time, the clinical significance of this alteration remains unclear.

Baylor Genetics
Classification: Uncertain significance for Pheochromocytoma. Last evaluated: 2024-02-25. Review status: criteria provided, single submitter. Criteria: ACMG Guidelines, 2015. Collection method: clinical testing. Allele origin: unknown.

NM_002382.5(MAX):c.403G>A (p.Asp135Asn)

Gene: MAX (MYC associated transcriptional regulator X; minus strand). Cytogenetic location: 14q23.3.
Variant type: single nucleotide variant.
Coding change: c.403G>A on transcript NM_002382.5 (MANE Select); coding-DNA position 403, G replaced by A.
Protein change: p.Asp135Asn; replaces aspartic acid 135 with asparagine.
Molecular consequence: missense variant. On other transcripts: 3 prime UTR variant (1), intron variant (2).
Genome position (GRCh38, 1-based): chr14:65,076,556, C>T on the plus strand (G>A on the coding strand, the complement: MAX is on the minus strand). VCF-style: chr14-65076556-C-T. GRCh37 (hg19) VCF-style: chr14-65543274-C-T.
Other names: c.202G>A, p.Asp68Asn (NM_001407111.1, NM_001407112.1); c.376G>A, p.Asp126Asn (NM_145112.3, NM_001407095.1); c.*192G>A (NM_145113.3, NM_001407097.1, NM_001407100.1 and 4 more transcripts); c.214G>A, p.Asp72Asn (NM_001320415.2, NM_001407105.1, NM_001407106.1 and 1 more transcripts); c.403G>A, p.Asp135Asn (NM_001407094.1); c.*176G>A (NM_001407096.1, NM_001407099.1, NM_001407102.1 and 2 more transcripts); c.295G>A, p.Asp99Asn (NM_001407098.1); c.144+17152G>A (NM_001271069.2); and 1 more; short protein forms D135N, D126N, D72N, D68N, D99N.
Identifiers: ClinVar variation 485704 (VCV000485704.16), dbSNP rs201312694, ClinGen allele CA7232796.